The following is an entry in ClinVar:

ClinVar aggregate classification (germline): other (0 of 4 stars; one submission).

Conditions:
Familial colorectal cancer. Identifiers: MedGen CN280943, MONDO:0023113. Disease mechanism: loss of function.

Submission:

Systems Biology Platform Zhejiang California International NanoSystems Institute
Classification: other for Familial colorectal cancer. Review status: no assertion criteria provided. Collection method: not provided. Allele origin: unknown.
ClinVar note: Converted during submission from cancer to other.

NM_000038.6(APC):c.646-2481T>C

Gene: APC (APC regulator of WNT signaling pathway; plus strand). Cytogenetic location: 5q22.2.
Variant type: single nucleotide variant.
Coding change: c.646-2481T>C on transcript NM_000038.6 (MANE Select); 2481 bases into the intron before coding-DNA position 646, T replaced by C.
Molecular consequence: intron variant.
Genome position (GRCh38, 1-based): chr5:112,789,965, T>C. VCF-style: chr5-112789965-T-C. GRCh37 (hg19) VCF-style: chr5-112125662-T-C.
Other names: c.646-2481T>C (NM_001354895.2, NM_001127510.3, NM_001354896.2 and 1 more transcripts); c.676-2481T>C (NM_001354897.2, NM_001354902.2); c.675+9062T>C (NM_001127511.3); c.571-2481T>C (NM_001354898.2, NM_001354904.2); c.-390-2481T>C (NM_001354906.2); c.645+9062T>C (NM_001354899.2); c.469-2481T>C (NM_001354900.2, NM_001354901.2, NM_001354905.2).
Identifiers: ClinVar variation 82471 (VCV000082471.2), dbSNP rs77271824, ClinGen allele CA011758.
Genomic context (GRCh38, chr5:112,789,965, plus strand): 5'-GGCTGGAGGGCAGTGGCACGATATCGCTCACTGCAACCTCCGCCTCCCAGGCTCAAGCCA[T>C]CCTCCCTCCTCAGCTTCCCAAGTCACTGGGACTACAGGCGTATGCCCTCATGCCTGGCTA-3'